The following is an entry in ClinVar:

NM_152564.5(VPS13B):c.1406del (p.Asn469fs)

Gene: VPS13B (vacuolar protein sorting 13 homolog B; plus strand). Cytogenetic location: 8q22.2.
Variant type: Deletion.
Coding change: c.1406del on transcript NM_152564.5 (MANE Select); coding-DNA position 1406, one base deleted (A; older notation c.1406delA).
Protein change: p.Asn469fs; shifts the reading frame from asparagine 469.
Molecular consequence: frameshift variant.
Genome position (GRCh38, 1-based): chr8:99,135,118, A deleted; the last of 2 consecutive A bases (chr8:99,135,117-99,135,118); deleting either gives the same sequence. VCF-style (leftmost placement, unchanged base first): chr8-99135116-GA-G. GRCh37 (hg19) VCF-style: chr8-100147344-GA-G.
Other names: c.1406del, p.Asn469fs (NM_015243.3, NM_017890.5); short protein forms N469fs.
Identifiers: ClinVar variation 2705310 (VCV002705310.3), dbSNP rs2488760578, ClinGen allele CA2697550061.

ClinVar aggregate classification (germline): Pathogenic (1 of 4 stars; one submission).

Conditions:
Cohen syndrome (COH1). Also called: Cutis verticis gyrata, retinitis pigmentosa, and sensorineural deafness; PEPPER SYNDROME. Identifiers: Orphanet 193, MedGen C0265223, MONDO:0008999, OMIM 216550.

Submission:

Labcorp Genetics (formerly Invitae), Labcorp
Classification: Pathogenic for Cohen syndrome. Last evaluated: 2024-01-04. Review status: criteria provided, single submitter. Criteria: Invitae Variant Classification Sherloc (09022015). Collection method: clinical testing. Allele origin: germline.
Comment: This sequence change creates a premature translational stop signal (p.Asn469Ilefs*2) in the VPS13B gene. It is expected to result in an absent or disrupted protein product. Loss-of-function variants in VPS13B are known to be pathogenic (PMID: 15141358, 16648375, 20461111). This variant is not present in population databases (gnomAD no frequency). This variant has not been reported in the literature in individuals affected with VPS13B-related conditions. For these reasons, this variant has been classified as Pathogenic.

Literature cited by the submitters: PubMed 15141358; PubMed 16648375; PubMed 20461111.